The following is an entry in ClinVar:

ClinVar aggregate classification (germline): Uncertain significance (1 of 4 stars; one submission).

Allele frequency attached by ClinVar (database versions not stated): gnomAD exomes 0.00001.

Submission:

Labcorp Genetics (formerly Invitae), Labcorp
Classification: Uncertain significance. Last evaluated: 2023-05-28. Review status: criteria provided, single submitter. Criteria: Invitae Variant Classification Sherloc (09022015). Collection method: clinical testing. Allele origin: germline.
Comment: In summary, the available evidence is currently insufficient to determine the role of this variant in disease. Therefore, it has been classified as a Variant of Uncertain Significance. Algorithms developed to predict the effect of missense changes on protein structure and function output the following: SIFT: "Not Available"; PolyPhen-2: "Benign"; Align-GVGD: "Not Available". The isoleucine amino acid residue is found in multiple mammalian species, which suggests that this missense change does not adversely affect protein function. This variant has not been reported in the literature in individuals affected with NIN-related conditions. This variant is not present in population databases (gnomAD no frequency). This sequence change replaces methionine, which is neutral and non-polar, with isoleucine, which is neutral and non-polar, at codon 1571 of the NIN protein (p.Met1571Ile).

NM_020921.4(NIN):c.4713G>T (p.Met1571Ile)

Gene: NIN (ninein; minus strand). Cytogenetic location: 14q22.1.
Variant type: single nucleotide variant.
Coding change: c.4713G>T on transcript NM_020921.4 (MANE Select); coding-DNA position 4713, G replaced by T.
Protein change: p.Met1571Ile; replaces methionine 1571 with isoleucine.
Molecular consequence: missense variant.
Genome position (GRCh38, 1-based): chr14:50,754,584, C>A on the plus strand (G>T on the coding strand, the complement: NIN is on the minus strand). VCF-style: chr14-50754584-C-A. GRCh37 (hg19) VCF-style: chr14-51221302-C-A.
Other names: c.2574G>T, p.Met858Ile (NM_016350.5); c.4713G>T, p.Met1571Ile (NM_182944.3, NM_182946.2); short protein forms M1571I, M858I.
Identifiers: ClinVar variation 2974233 (VCV002974233.3), dbSNP rs755996556, ClinGen allele CA260826428.
Genomic context (GRCh38, chr14:50,754,584, plus strand): 5'-GAATCAAAAAACATTGAGAAATATTAAGTATTTCCTTACCTGTTTCTTTAAATTTTCAAC[C>A]ATCTTCTGAACTGCAGCATTTTCTTGTTTTACAGTTTCCGTTTTTTGCCTAAAAGGAATG-3'
Protein context (NP_065972.4, residues 1561-1581): VKQENAAVQK[Met1571Ile]VENLKKQISE